The following is an entry in ClinVar:

ClinVar aggregate classification (germline): Uncertain significance (1 of 4 stars; one submission).

Submission:

GeneDx
Classification: Uncertain significance. Last evaluated: 2025-04-16. Review status: criteria provided, single submitter. Criteria: GeneDx Variant Classification Process June 2021. Collection method: clinical testing. Allele origin: germline. Affected: yes.
Comment: Not observed at significant frequency in large population cohorts (gnomAD); In silico analysis supports that this missense variant has a deleterious effect on protein structure/function; Has not been previously published as pathogenic or benign to our knowledge

NM_178014.4(TUBB):c.934A>G (p.Thr312Ala)

Gene: TUBB (tubulin beta class I; plus strand). Cytogenetic location: 6p21.33.
Variant type: single nucleotide variant.
Coding change: c.934A>G on transcript NM_178014.4 (MANE Select); coding-DNA position 934, A replaced by G.
Protein change: p.Thr312Ala; replaces threonine 312 with alanine.
Molecular consequence: missense variant. On other transcripts: non-coding transcript variant (1), intron variant (1).
Genome position (GRCh38, 1-based): chr6:30,723,996, A>G. VCF-style: chr6-30723996-A-G. GRCh37 (hg19) VCF-style: chr6-30691773-A-G.
Other names: c.994A>G, p.Thr332Ala (NM_001293212.2); c.802A>G, p.Thr268Ala (NM_001293214.2); c.718A>G, p.Thr240Ala (NM_001293215.2, NM_001293216.2); c.370-42A>G (NM_001293213.2); short protein forms T240A, T268A, T312A, T332A.
Identifiers: ClinVar variation 4527101 (VCV004527101.1).